The following is an entry in ClinVar:

ClinVar aggregate classification (germline): Benign/Likely benign. Review status: criteria provided, multiple submitters, no conflicts (2 of 4 stars). 17 submissions from 14 submitters: Benign (10); Likely benign (2). 5 of the submissions do not count toward it. Last evaluated 2026-02-04.

Conditions:
Cardiac arrhythmia. Also called: Arrhythmia; Cardiac rhythm disease. Identifiers: MedGen C0003811, MONDO:0007263, HP:0011675.
Long QT syndrome (LQTS). Identifiers: MedGen C0023976, MeSH D008133, MONDO:0002442. Disease mechanism: loss of function. Inheritance: Various modes of inheritance.
Jervell and Lange-Nielsen syndrome 1 (JLNS1). Also called: CARDIOAUDITORY SYNDROME OF JERVELL AND LANGE-NIELSEN; DEAFNESS, CONGENITAL, AND FUNCTIONAL HEART DISEASE; PROLONGED QT INTERVAL IN EKG AND SUDDEN DEATH; SURDO-CARDIAC SYNDROME. Identifiers: Orphanet 768, Orphanet 90647, MedGen C4551509, MONDO:0024540, OMIM 220400.
Atrial fibrillation, familial, 3 (ATFB3). Identifiers: MedGen C1837014, MONDO:0011857, OMIM 607554.
Short QT syndrome type 2. Identifiers: Orphanet 51083, MedGen C1865019, MONDO:0012313, OMIM 609621.
Long QT syndrome 1 (LQT1). Identifiers: Orphanet 101016, Orphanet 768, MedGen C4551647, MONDO:0100316, OMIM 192500, MONDO:0008646.

Allele frequency attached by ClinVar (database versions not stated): ESP Exome Variant Server 0.08599; TOPMed 0.07302; gnomAD exomes 0.08607 and 0.10373; ExAC 0.08683; 1000 Genomes Project 30x 0.04466; 1000 Genomes Project 0.04613; gnomAD 0.07704 and 0.07860.
gnomAD v4.1: 162,009 of 1,605,040 alleles (10%); highest among the groups gnomAD compares: Middle Eastern, 13%; 9,080 homozygotes.

Submissions (17):

Labcorp Genetics (formerly Invitae), Labcorp
Classification: Benign for Long QT syndrome. Last evaluated: 2026-02-04. Review status: criteria provided, single submitter. Criteria: Invitae Variant Classification Sherloc (09022015). Collection method: clinical testing. Allele origin: germline.

ARUP Laboratories, Molecular Genetics and Genomics, ARUP Laboratories
Classification: Benign. Last evaluated: 2025-07-28. Review status: criteria provided, single submitter. Criteria: ARUP Molecular Germline Variant Investigation Process 2024. Collection method: clinical testing. Allele origin: germline.

Blueprint Genetics
Classification: Likely benign. Last evaluated: 2024-11-27. Review status: criteria provided, single submitter. Criteria: ACMG Guidelines, 2015. Collection method: clinical testing. Allele origin: germline.

Illumina Laboratory Services, Illumina
Classification: Benign for Short QT syndrome type 2. Last evaluated: 2018-01-13. Review status: criteria provided, single submitter. Criteria: ICSL Variant Classification Criteria 13 December 2019. Collection method: clinical testing. Allele origin: germline.
Comment: This variant was observed in the ICSL laboratory as part of a predisposition screen in an ostensibly healthy population. It had not been previously curated by ICSL or reported in the Human Gene Mutation Database (HGMD: prior to June 1st, 2018), and was therefore a candidate for classification through an automated scoring system. Utilizing variant allele frequency, disease prevalence and penetrance estimates, and inheritance mode, an automated score was calculated to assess if this variant is too frequent to cause the disease. Based on the score and internal cut-off values, a variant classified as benign is not then subjected to further curation. The score for this variant resulted in a classification of benign for this disease.

Illumina Laboratory Services, Illumina
Classification: Benign for Jervell and Lange-Nielsen syndrome 1. Last evaluated: 2018-01-13. Review status: criteria provided, single submitter. Criteria: ICSL Variant Classification Criteria 13 December 2019. Collection method: clinical testing. Allele origin: germline.
Comment: the same text as in the submission from Illumina Laboratory Services, Illumina above.

Illumina Laboratory Services, Illumina
Classification: Benign for Long QT syndrome 1. Last evaluated: 2018-01-13. Review status: criteria provided, single submitter. Criteria: ICSL Variant Classification Criteria 13 December 2019. Collection method: clinical testing. Allele origin: germline.
Comment: the same text as in the submission from Illumina Laboratory Services, Illumina above.

Illumina Laboratory Services, Illumina
Classification: Benign for Atrial fibrillation, familial, 3. Last evaluated: 2018-01-13. Review status: criteria provided, single submitter. Criteria: ICSL Variant Classification Criteria 13 December 2019. Collection method: clinical testing. Allele origin: germline.
Comment: the same text as in the submission from Illumina Laboratory Services, Illumina above.

GeneDx
Classification: Benign. Last evaluated: 2012-06-14. Review status: criteria provided, single submitter. Criteria: GeneDx Variant Classification (06012015). Collection method: clinical testing. Allele origin: germline. Affected: yes.
Comment: This variant is considered likely benign or benign based on one or more of the following criteria: it is a conservative change, it occurs at a poorly conserved position in the protein, it is predicted to be benign by multiple in silico algorithms, and/or has population frequency not consistent with disease.

Laboratory for Molecular Medicine, Mass General Brigham Personalized Medicine
Classification: Benign. Last evaluated: 2012-05-07. Review status: criteria provided, single submitter. Criteria: LMM Criteria. Collection method: clinical testing. Allele origin: germline. Observed: 287 variant alleles.
Comment: 1590+14T>C in Intron 12 of KCNQ1: This variant is not expected to have clinical significance because it is not located within the conserved splice consensus seq uence and has been identified in 11.5% (806/7020) of European American chromosom es from a broad population by the NHLBI Exome Sequencing Project (.; dbSNP rs11024034).

Women's Health and Genetics/Laboratory Corporation of America, LabCorp
Classification: Benign for Arrhythmia. Last evaluated: 2011-08-18. Review status: criteria provided, single submitter. Criteria: LabCorp Variant Classification Summary - May 2015. Collection method: clinical testing. Allele origin: not applicable. Inheritance: autosomal unknown.
ClinVar note: Converted during submission from benign to Benign.

Breakthrough Genomics
Classification: Likely benign. Review status: criteria provided, single submitter. Criteria: ACMG Guidelines, 2015. Collection method: not provided. Allele origin: germline. Inheritance: Autosomal recessive inheritance. Affected: yes.

PreventionGenetics, part of Exact Sciences
Classification: Benign. Review status: criteria provided, single submitter. Criteria: ACMG Guidelines, 2015. Collection method: clinical testing. Allele origin: germline.

Cohesion Phenomics
Classification: Likely benign for Long QT syndrome. Last evaluated: 2022-09-23. Review status: no assertion criteria provided. Criteria: ACMG Guidelines, 2015. Collection method: clinical testing. Allele origin: germline. Affected: yes. Not counted in ClinVar's aggregate classification.

Clinical Genetics DNA and cytogenetics Diagnostics Lab, Erasmus MC, Erasmus Medical Center
Classification: Benign. Review status: no assertion criteria provided. Collection method: clinical testing. Allele origin: germline. Affected: yes. Study: VKGL Data-share Consensus. Not counted in ClinVar's aggregate classification.

Clinical Genetics, Academic Medical Center
Classification: Benign. Review status: no assertion criteria provided. Collection method: clinical testing. Allele origin: germline. Affected: yes. Study: VKGL Data-share Consensus. Not counted in ClinVar's aggregate classification.

Department of Pathology and Laboratory Medicine, Sinai Health System
Classification: Uncertain significance. Review status: no assertion criteria provided. Collection method: clinical testing. Allele origin: unknown. Affected: yes. Study: The Canadian Open Genetics Repository (COGR). Not counted in ClinVar's aggregate classification.
Comment: multiple AR variants in same gene - keep for nowAllele frequency is common in at least one population database (frequency: 12.169% in gnomAD_ExomesFounderPop) based on the frequency threshold of 0.868% for this gene.Variant was observed in a homozygous state in population databases more than expected for disease.A synonymous variant not located in a splice region.

Joint Genome Diagnostic Labs from Nijmegen and Maastricht, Radboudumc and MUMC+
Classification: Benign. Review status: no assertion criteria provided. Collection method: clinical testing. Allele origin: germline. Affected: yes. Study: VKGL Data-share Consensus. Not counted in ClinVar's aggregate classification.

Literature cited by the submitters: PubMed 14760488 (cited by Women's Health and Genetics/Laboratory Corporation of America, LabCorp); PubMed 16132053 (cited by Women's Health and Genetics/Laboratory Corporation of America, LabCorp).

NM_000218.3(KCNQ1):c.1590+14T>C

Gene: KCNQ1 (potassium voltage-gated channel subfamily Q member 1; plus strand). Cytogenetic location: 11p15.5.
Variant type: single nucleotide variant.
Coding change: c.1590+14T>C on transcript NM_000218.3 (MANE Select); 14 bases into the intron after coding-DNA position 1590, T replaced by C.
Molecular consequence: intron variant.
Genome position (GRCh38, 1-based): chr11:2,768,933, T>C. VCF-style: chr11-2768933-T-C. GRCh37 (hg19) VCF-style: chr11-2790163-T-C.
Other names: c.1320+14T>C (NM_001406837.1); c.1494+14T>C (NM_001406836.1); c.1050+14T>C (NM_001406838.1); c.1209+14T>C (NM_181798.2).
Identifiers: ClinVar variation 36436 (VCV000036436.37), dbSNP rs11024034, ClinGen allele CA005973.